The following is an entry in ClinVar:

ClinVar aggregate classification (germline): Likely benign. Review status: criteria provided, multiple submitters, no conflicts (2 of 4 stars). 2 submissions from 2 submitters: Likely benign (2). Last evaluated 2026-05-01.

Conditions:
Breast-ovarian cancer, familial, susceptibility to, 2 (BROVCA2). Also called: BRCA2 Hereditary Breast and Ovarian Cancer. Identifiers: Orphanet 145, MedGen C2675520, MONDO:0012933, OMIM 612555. Disease mechanism: loss of function.
Hereditary cancer-predisposing syndrome. Also called: Neoplastic Syndromes, Hereditary; Tumor predisposition; Hereditary neoplastic syndrome; Hereditary Cancer Syndrome. Identifiers: Orphanet 140162, MedGen C0027672, MeSH D009386, MONDO:0015356.

gnomAD v4.1: 2 of 1,613,804 alleles (0.00012%); highest among the groups gnomAD compares: South Asian, 0.0022%; no homozygotes.

Submissions (2):

Cancer Bioinformatics and Tumour Evolution Laboratory, Monash University
Classification: Likely benign for Breast-ovarian cancer, familial, susceptibility to, 2. Last evaluated: 2026-05-01. Review status: criteria provided, single submitter. Criteria: ClinGen BRCA1 and BRCA2 Guidelines, 2024. Collection method: curation. Allele origin: germline. Inheritance: Autosomal dominant inheritance.
Comment: This variant is in a functional domain (DNA Binding Domains). The BayesDel score is 0.036223, which means no deleterious impact is predicted. Hence, BP4 is applied. PMID: 39779857 - SGE and HDR analysis on haploid human HAP1 cells. All missenses in this position were analysed and they were found to be benign (including our variant, V2820A) except for V2820L, which was found to be strongly pathogenic. PMID: 39779848 - SGE followed by HDR on mES cells. All missenses in this position were analysed, including our variant. All of them were found to be benign. Based on these functional studies, BS3 is applied.

Ambry Genetics
Classification: Likely benign for Hereditary cancer-predisposing syndrome. Last evaluated: 2025-09-24. Review status: criteria provided, single submitter. Criteria: Ambry Variant Classification Scheme 2023. Collection method: clinical testing. Allele origin: germline.

Literature cited by the submitters: PubMed 39779857 (cited by Cancer Bioinformatics and Tumour Evolution Laboratory, Monash University); PubMed 39779848 (cited by Cancer Bioinformatics and Tumour Evolution Laboratory, Monash University).

NM_000059.4(BRCA2):c.8459T>C (p.Val2820Ala)

Gene: BRCA2 (BRCA2 DNA repair associated; plus strand). Cytogenetic location: 13q13.1.
Variant type: single nucleotide variant.
Coding change: c.8459T>C on transcript NM_000059.4 (MANE Select); coding-DNA position 8459, T replaced by C.
Protein change: p.Val2820Ala; replaces valine 2820 with alanine.
Molecular consequence: missense variant. On other transcripts: non-coding transcript variant (1).
Genome position (GRCh38, 1-based): chr13:32,370,529, T>C. VCF-style: chr13-32370529-T-C. GRCh37 (hg19) VCF-style: chr13-32944666-T-C.
Other names: c.8363T>C, p.Val2788Ala (NM_001406719.1); c.8459T>C, p.Val2820Ala (NM_001406720.1, NM_001432077.1); c.3527T>C, p.Val1176Ala (NM_001406721.1); c.2042T>C, p.Val681Ala (NM_001406722.1); short protein forms V1176A, V681A, V2820A, V2788A.
Identifiers: ClinVar variation 4628412 (VCV004628412.2).